The following is an entry in ClinVar:

NM_000256.3(MYBPC3):c.3748del (p.Ile1250fs)

Gene: MYBPC3 (myosin binding protein C3; minus strand). Cytogenetic location: 11p11.2.
Variant type: Deletion.
Coding change: c.3748del on transcript NM_000256.3 (MANE Select); coding-DNA position 3748, one base deleted (A; older notation c.3748delA).
Protein change: p.Ile1250fs; shifts the reading frame from isoleucine 1250.
Molecular consequence: frameshift variant.
Genome position (GRCh38, 1-based): chr11:47,332,138, T deleted on the plus strand (A on the coding strand, the reverse complement: MYBPC3 is on the minus strand). VCF-style (leftmost placement, unchanged base first): chr11-47332137-AT-A. GRCh37 (hg19) VCF-style: chr11-47353688-AT-A.
Other names: short protein forms I1250fs.
Identifiers: ClinVar variation 2836894 (VCV002836894.3), dbSNP rs2495736234, ClinGen allele CA2739270411.

ClinVar aggregate classification (germline): Pathogenic (1 of 4 stars; one submission).

Conditions:
Hypertrophic cardiomyopathy. Also called: HYPERTROPHIC MYOCARDIOPATHY. Identifiers: Orphanet 217569, MedGen C0007194, MeSH D002312, MONDO:0005045, HP:0001639.

Submission:

Labcorp Genetics (formerly Invitae), Labcorp
Classification: Pathogenic for Hypertrophic cardiomyopathy. Last evaluated: 2023-02-14. Review status: criteria provided, single submitter. Criteria: Invitae Variant Classification Sherloc (09022015). Collection method: clinical testing. Allele origin: germline.
Comment: This sequence change results in a frameshift in the MYBPC3 gene (p.Ile1250Serfs*81). While this is not anticipated to result in nonsense mediated decay, it is expected to disrupt the last 25 amino acid(s) of the MYBPC3 protein and extend the protein by 55 additional amino acid residues. This variant is not present in population databases (gnomAD no frequency). This variant has not been reported in the literature in individuals affected with MYBPC3-related conditions. This variant disrupts a region of the MYBPC3 protein in which other variant(s) (p.Arg1271*) have been determined to be pathogenic (PMID: 8533079, 19574547, 23396983, 33673806; Invitae). This suggests that this is a clinically significant region of the protein, and that variants that disrupt it are likely to be disease-causing. For these reasons, this variant has been classified as Pathogenic.

Literature cited by the submitters: PubMed 8533079; PubMed 19574547; PubMed 23396983; PubMed 33673806.